The following is an entry in ClinVar:

NM_001297.5(CNGB1):c.3556C>T (p.Pro1186Ser)

Gene: CNGB1 (cyclic nucleotide gated channel subunit beta 1; minus strand). Cytogenetic location: 16q21.
Variant type: single nucleotide variant.
Coding change: c.3556C>T on transcript NM_001297.5 (MANE Select); coding-DNA position 3556, C replaced by T.
Protein change: p.Pro1186Ser; replaces proline 1186 with serine.
Molecular consequence: missense variant.
Genome position (GRCh38, 1-based): chr16:57,884,364, G>A on the plus strand (C>T on the coding strand, the complement: CNGB1 is on the minus strand). VCF-style: chr16-57884364-G-A. GRCh37 (hg19) VCF-style: chr16-57918268-G-A.
Other names: c.3538C>T, p.Pro1180Ser (NM_001286130.2); short protein forms P1186S, P1180S.
Identifiers: ClinVar variation 166889 (VCV000166889.18), dbSNP rs7190372, ClinGen allele CA179892.

ClinVar aggregate classification (germline): Benign/Likely benign. Review status: criteria provided, multiple submitters, no conflicts (2 of 4 stars). 4 submissions from 4 submitters: Benign (2); Likely benign (2). Last evaluated 2026-02-04.

Conditions:
Retinitis pigmentosa (RP). Identifiers: Orphanet 791, MedGen C0035334, MeSH D012174, MONDO:0019200, OMIM 268000. Inheritance: Autosomal dominant, autosomal recessive and X linked inheritance.

Allele frequency attached by ClinVar (database versions not stated): 1000 Genomes Project 0.02316; gnomAD exomes 0.00215 and 0.00534; ExAC 0.00624; gnomAD 0.02335 and 0.02175; TOPMed 0.02381; 1000 Genomes Project 30x 0.02389; ESP Exome Variant Server 0.02238.
gnomAD v4.1: 6,585 of 1,611,292 alleles (0.41%); highest among the groups gnomAD compares: African/African-American, 7.6%; 228 homozygotes.

Submissions (4):

Labcorp Genetics (formerly Invitae), Labcorp
Classification: Benign. Last evaluated: 2026-02-04. Review status: criteria provided, single submitter. Criteria: Invitae Variant Classification Sherloc (09022015). Collection method: clinical testing. Allele origin: germline.

Illumina Laboratory Services, Illumina
Classification: Likely benign for Retinitis pigmentosa. Last evaluated: 2018-01-13. Review status: criteria provided, single submitter. Criteria: ICSL Variant Classification Criteria 13 December 2019. Collection method: clinical testing. Allele origin: germline.
Comment: This variant was observed in the ICSL laboratory as part of a predisposition screen in an ostensibly healthy population. It had not been previously curated by ICSL or reported in the Human Gene Mutation Database (HGMD: prior to June 1st, 2018), and was therefore a candidate for classification through an automated scoring system. Utilizing variant allele frequency, disease prevalence and penetrance estimates, and inheritance mode, an automated score was calculated to assess if this variant is too frequent to cause the disease. Based on the score and internal cut-off values, a variant classified as likely benign is not then subjected to further curation. The score for this variant resulted in a classification of likely benign for this disease.

Eurofins Ntd Llc (ga)
Classification: Benign. Last evaluated: 2014-04-16. Review status: criteria provided, single submitter. Criteria: EGL Classification Definitions 2015. Collection method: clinical testing. Allele origin: germline. Observed: 1 variant allele, 1 heterozygote.

Breakthrough Genomics
Classification: Likely benign. Review status: criteria provided, single submitter. Criteria: ACMG Guidelines, 2015. Collection method: not provided. Allele origin: germline. Inheritance: Autosomal recessive inheritance. Affected: yes.